The following is an entry in ClinVar:

NM_020381.4(PDSS2):c.849T>C (p.Tyr283=)

Gene: PDSS2 (decaprenyl diphosphate synthase subunit 2; minus strand). Cytogenetic location: 6q21.
Variant type: single nucleotide variant.
Coding change: c.849T>C on transcript NM_020381.4 (MANE Select); coding-DNA position 849, T replaced by C.
Protein change: p.Tyr283=; no amino-acid change (tyrosine 283 retained).
Molecular consequence: synonymous variant.
Genome position (GRCh38, 1-based): chr6:107,212,136, A>G on the plus strand (T>C on the coding strand, the complement: PDSS2 is on the minus strand). VCF-style: chr6-107212136-A-G. GRCh37 (hg19) VCF-style: chr6-107533340-A-G.
Identifiers: ClinVar variation 2656814 (VCV002656814.24), dbSNP rs777315112, ClinGen allele CA3946005.

ClinVar aggregate classification (germline): Likely benign (1 of 4 stars; one submission).

Allele frequency attached by ClinVar (database versions not stated): TOPMed below 0.00001; ExAC 0.00001.
gnomAD v4.1: 6 of 1,614,152 alleles (0.00037%); highest among the groups gnomAD compares: Non-Finnish European, 0.00042%; no homozygotes.

Submission:

CeGaT Center for Human Genetics Tuebingen
Classification: Likely benign. Last evaluated: 2023-06-01. Review status: criteria provided, single submitter. Criteria: CeGaT Center For Human Genetics Tuebingen Variant Classification Criteria Version 2. Collection method: clinical testing. Allele origin: germline. Affected: yes. Observed: 1 variant allele.
Comment: PDSS2: BP4, BP7